The following is an entry in ClinVar:

NM_001283009.2(RTEL1):c.166A>G (p.Thr56Ala)

Genes: RTEL1 (regulator of telomere elongation helicase 1; plus strand), RTEL1-TNFRSF6B (RTEL1-TNFRSF6B readthrough (NMD candidate); plus strand). Cytogenetic location: 20q13.33.
Variant type: single nucleotide variant.
Coding change: c.166A>G on transcript NM_001283009.2 (MANE Select); coding-DNA position 166, A replaced by G.
Protein change: p.Thr56Ala; replaces threonine 56 with alanine.
Molecular consequence: missense variant. On other transcripts: non-coding transcript variant (1), 5 prime UTR variant (1).
Genome position (GRCh38, 1-based): chr20:63,661,361, A>G. VCF-style: chr20-63661361-A-G. GRCh37 (hg19) VCF-style: chr20-62292714-A-G.
Other names: c.-504A>G (NM_001283010.1); c.166A>G, p.Thr56Ala (NM_016434.4, NM_032957.5); short protein forms T56A.
Identifiers: ClinVar variation 4071551 (VCV004071551.1).

ClinVar aggregate classification (germline): Uncertain significance (1 of 4 stars; one submission).

Conditions:
Pulmonary fibrosis and/or bone marrow failure, Telomere-related, 3. Also called: PULMONARY FIBROSIS AND/OR BONE MARROW FAILURE SYNDROME, TELOMERE-RELATED, 3. Identifiers: Orphanet 2032, MedGen C4225346, MONDO:0014613, OMIM 616373.

Submission:

Next Generation Genetic Polyclinic
Classification: Uncertain significance for Pulmonary fibrosis and/or bone marrow failure, Telomere-related, 3. Last evaluated: 2025-03-08. Review status: criteria provided, single submitter. Criteria: ACMG Guidelines, 2015. Collection method: curation. Allele origin: germline. Affected: yes. Observed: 1 variant allele.
Comment: The NM_001283009.2:c.166A>G (RTEL1) variant causes a missense substitution in the Regulator of Telomere Elongation Helicase 1 gene, which plays a crucial role in DNA replication, telomere maintenance, and genomic stability. RTEL1 mutations are associated with autosomal dominant dyskeratosis congenita and pulmonary fibrosis. This specific variant is novel and absent from population databases (PM2_supporting). In silico predictions regarding deleteriousness are conflicting, and no functional data or clinical case reports are currently available. Heterozygosity aligns with expected inheritance patterns, but lack of familial segregation or experimental evidence limits its classification. It is designated a Variant of Uncertain Significance (VUS) per ACMG criteria due to insufficient pathogenicity data.